The following is an entry in ClinVar:

NM_004239.4(TRIP11):c.4019A>C (p.Glu1340Ala)

Gene: TRIP11 (thyroid hormone receptor interactor 11; minus strand). Cytogenetic location: 14q32.12.
Variant type: single nucleotide variant.
Coding change: c.4019A>C on transcript NM_004239.4 (MANE Select); coding-DNA position 4019, A replaced by C.
Protein change: p.Glu1340Ala; replaces glutamic acid 1340 with alanine.
Molecular consequence: missense variant.
Genome position (GRCh38, 1-based): chr14:92,003,957, T>G on the plus strand (A>C on the coding strand, the complement: TRIP11 is on the minus strand). VCF-style: chr14-92003957-T-G. GRCh37 (hg19) VCF-style: chr14-92470301-T-G.
Other names: c.4019A>C (NM_004239.3); c.4016A>C, p.Glu1339Ala (NM_001321851.1); short protein forms E1340A, E1339A.
Identifiers: ClinVar variation 1426774 (VCV001426774.11), dbSNP rs766521899, ClinGen allele CA7313538.
Genomic context (GRCh38, chr14:92,003,957, plus strand): 5'-TCTTTTTCCTGTAGTGATTTTCTTAGCTCTTCTAACTCTTGCTGAAGCAATTCAGAAGAT[T>G]CACTCAATACTTCAGACTTACTTGCTCTAAGACACTCTGCAGACTGGGGAGTAAGCAATG-3'
Protein context (NP_004230.2, residues 1330-1350): LRASKSEVLS[Glu1340Ala]SSELLQQELE

ClinVar aggregate classification (germline): Uncertain significance. Review status: criteria provided, multiple submitters, no conflicts (2 of 4 stars). 2 submissions from 2 submitters: Uncertain significance (2). Last evaluated 2025-08-28.

Conditions:
Inborn genetic diseases. Identifiers: MedGen C0950123, MeSH D030342.
Achondrogenesis, type IA (ACG1A). Identifiers: Orphanet 932, Orphanet 93299, MedGen C0265273, MONDO:0008701, OMIM 200600.

Allele frequency attached by ClinVar (database versions not stated): gnomAD 0.00001; gnomAD exomes 0.00001 and 0.00004; ExAC 0.00002; TOPMed 0.00002.
gnomAD v4.1: 8 of 1,614,100 alleles (0.0005%); highest among the groups gnomAD compares: East Asian, 0.016%; no homozygotes.

Submissions (2):

Ambry Genetics
Classification: Uncertain significance for Inborn genetic diseases. Last evaluated: 2025-08-28. Review status: criteria provided, single submitter. Criteria: Ambry Variant Classification Scheme 2023. Collection method: clinical testing. Allele origin: germline.

Labcorp Genetics (formerly Invitae), Labcorp
Classification: Uncertain significance for Achondrogenesis, type IA. Last evaluated: 2022-09-27. Review status: criteria provided, single submitter. Criteria: Invitae Variant Classification Sherloc (09022015). Collection method: clinical testing. Allele origin: germline.
Comment: This variant is present in population databases (rs766521899, gnomAD 0.05%). This sequence change replaces glutamic acid, which is acidic and polar, with alanine, which is neutral and non-polar, at codon 1340 of the TRIP11 protein (p.Glu1340Ala). This variant has not been reported in the literature in individuals affected with TRIP11-related conditions. ClinVar contains an entry for this variant (Variation ID: 1426774). Advanced modeling of protein sequence and biophysical properties (such as structural, functional, and spatial information, amino acid conservation, physicochemical variation, residue mobility, and thermodynamic stability) performed at Invitae indicates that this missense variant is not expected to disrupt TRIP11 protein function. In summary, the available evidence is currently insufficient to determine the role of this variant in disease. Therefore, it has been classified as a Variant of Uncertain Significance.